The following is an entry in ClinVar:

ClinVar aggregate classification (germline): Likely benign (1 of 4 stars; one submission).

gnomAD v4.1: 77 of 1,519,048 alleles (0.0051%); highest among the groups gnomAD compares: Middle Eastern, 0.086%; 1 homozygote.

Submission:

CeGaT Center for Human Genetics Tuebingen
Classification: Likely benign. Last evaluated: 2026-08-01. Review status: criteria provided, single submitter. Criteria: CeGaT Center For Human Genetics Tuebingen Variant Classification Criteria Version 2. Collection method: clinical testing. Allele origin: germline. Affected: yes. Observed: 1 variant allele.
Comment: ZBTB47: BP4, BP7

NM_145166.4(ZBTB47):c.831C>T (p.Asp277=)

Gene: ZBTB47 (zinc finger and BTB domain containing 47; plus strand). Cytogenetic location: 3p22.1.
Variant type: single nucleotide variant.
Coding change: c.831C>T on transcript NM_145166.4 (MANE Select); coding-DNA position 831, C replaced by T.
Protein change: p.Asp277=; no amino-acid change (aspartic acid 277 retained).
Molecular consequence: synonymous variant.
Genome position (GRCh38, 1-based): chr3:42,659,186, C>T. VCF-style: chr3-42659186-C-T. GRCh37 (hg19) VCF-style: chr3-42700678-C-T.
Other names: c.915C>T, p.Asp305= (NM_001410746.1).
Identifiers: ClinVar variation 5038946 (VCV005038946.1).